The following is an entry in ClinVar:

ClinVar aggregate classification (germline): Uncertain significance (1 of 4 stars; one submission).

Conditions:
Spastic paraplegia. Identifiers: MedGen C0037772, HP:0001258.

Allele frequency attached by ClinVar (database versions not stated): gnomAD exomes below 0.00001.
gnomAD v4.1: 1 of 1,613,956 alleles (0.000062%); highest among the groups gnomAD compares: Non-Finnish European, 0.000085%; no homozygotes.

Submission:

Labcorp Genetics (formerly Invitae), Labcorp
Classification: Uncertain significance for Spastic paraplegia. Last evaluated: 2023-08-10. Review status: criteria provided, single submitter. Criteria: Invitae Variant Classification Sherloc (09022015). Collection method: clinical testing. Allele origin: germline.
Comment: This sequence change falls in intron 32 of the ZFYVE26 gene. It does not directly change the encoded amino acid sequence of the ZFYVE26 protein. It affects a nucleotide within the consensus splice site. This variant is not present in population databases (gnomAD no frequency). This variant has not been reported in the literature in individuals affected with ZFYVE26-related conditions. ClinVar contains an entry for this variant (Variation ID: 2086762). Variants that disrupt the consensus splice site are a relatively common cause of aberrant splicing (PMID: 17576681, 9536098). Algorithms developed to predict the effect of sequence changes on RNA splicing suggest that this variant is not likely to affect RNA splicing. In summary, the available evidence is currently insufficient to determine the role of this variant in disease. Therefore, it has been classified as a Variant of Uncertain Significance.

Literature cited by the submitters: PubMed 17576681; PubMed 9536098.

NM_015346.4(ZFYVE26):c.6011+5A>C

Gene: ZFYVE26 (zinc finger FYVE-type containing 26; minus strand). Cytogenetic location: 14q24.1.
Variant type: single nucleotide variant.
Coding change: c.6011+5A>C on transcript NM_015346.4 (MANE Select); 5 bases into the intron after coding-DNA position 6011, A replaced by C.
Molecular consequence: intron variant.
Genome position (GRCh38, 1-based): chr14:67,766,222, T>G on the plus strand (A>C on the coding strand, the complement: ZFYVE26 is on the minus strand). VCF-style: chr14-67766222-T-G. GRCh37 (hg19) VCF-style: chr14-68232939-T-G.
Identifiers: ClinVar variation 2086762 (VCV002086762.4), dbSNP rs2039053745, ClinGen allele CA2144020726.